The following is an entry in ClinVar:

NM_172245.4(CSF2RA):c.647-7G>A

Gene: CSF2RA (colony stimulating factor 2 receptor subunit alpha; plus strand). Cytogenetic location: Xp22.33.
Variant type: single nucleotide variant.
Coding change: c.647-7G>A on transcript NM_172245.4 (MANE Select); 7 bases into the intron before coding-DNA position 647, G replaced by A.
Molecular consequence: intron variant.
Genome position (GRCh38, 1-based): chrX:1,294,321, G>A. VCF-style: chrX-1294321-G-A. GRCh37 (hg19) VCF-style: chrX-1413214-G-A.
Other names: c.647-7G>A (NM_001379163.1, NM_001379159.1, NM_001379162.1 and 18 more transcripts); c.646+3812G>A (NM_172249.4); c.647-26G>A (NM_001379166.1); c.248-7G>A (NM_001161532.2).
Identifiers: ClinVar variation 227280 (VCV000227280.18), dbSNP rs189869234, ClinGen allele CA10330931.

ClinVar aggregate classification (germline): Benign/Likely benign. Review status: criteria provided, multiple submitters, no conflicts (2 of 4 stars). 4 submissions from 4 submitters: Benign (1); Likely benign (2). 1 of the submissions does not count toward it. Last evaluated 2026-01-23.

Conditions:
Surfactant metabolism dysfunction, pulmonary, 4 (SMDP4). Also called: CSF2RA DEFICIENCY; PAP DUE TO CSF2RA DEFICIENCY; PULMONARY ALVEOLAR PROTEINOSIS, CONGENITAL, 4. Identifiers: Orphanet 264675, MedGen C2677877, MONDO:0010424, OMIM 300770.
CSF2RA-related disorder. Also called: CSF2RA-related condition.

Allele frequency attached by ClinVar (database versions not stated): ESP Exome Variant Server 0.00215; 1000 Genomes Project 0.00291; 1000 Genomes Project 30x 0.00333; gnomAD exomes 0.00079; ExAC 0.00089; gnomAD 0.00179 and 0.00195; TOPMed 0.00202.
gnomAD v4.1: 851 of 1,613,114 alleles (0.053%); highest among the groups gnomAD compares: African/African-American, 0.61%; 1 homozygote.

Submissions (4):

Labcorp Genetics (formerly Invitae), Labcorp
Classification: Benign for Surfactant metabolism dysfunction, pulmonary, 4. Last evaluated: 2026-01-23. Review status: criteria provided, single submitter. Criteria: Invitae Variant Classification Sherloc (09022015). Collection method: clinical testing. Allele origin: germline.

Blueprint Genetics
Classification: Likely benign. Last evaluated: 2024-10-22. Review status: criteria provided, single submitter. Criteria: ACMG Guidelines, 2015. Collection method: clinical testing. Allele origin: germline.

Laboratory for Molecular Medicine, Mass General Brigham Personalized Medicine
Classification: Likely benign. Last evaluated: 2015-09-16. Review status: criteria provided, single submitter. Criteria: LMM Criteria. Collection method: clinical testing. Allele origin: germline. Observed: 1 variant allele.
Comment: c.647-7G>A in intron 8 of CSF2RA: This variant is not expected to have clinical significance because it has been identified in 0.7% (80/10406) of African chromo somes, including 1 homozygote by the Exome Aggregation Consortium (ExAC; dbSNP rs189869234).

PreventionGenetics, part of Exact Sciences
Classification: Likely benign for CSF2RA-related condition. Last evaluated: 2022-05-10. Review status: no assertion criteria provided. Collection method: clinical testing. Allele origin: germline. Not counted in ClinVar's aggregate classification.
Comment: This variant is classified as likely benign based on ACMG/AMP sequence variant interpretation guidelines (Richards et al. 2015 PMID: 25741868, with internal and published modifications).